The following is an entry in ClinVar:

NM_001378457.1(DMXL2):c.768G>C (p.Leu256Phe)

Gene: DMXL2 (Dmx like 2; minus strand). Cytogenetic location: 15q21.2.
Variant type: single nucleotide variant.
Coding change: c.768G>C on transcript NM_001378457.1 (MANE Select); coding-DNA position 768, G replaced by C.
Protein change: p.Leu256Phe; replaces leucine 256 with phenylalanine.
Molecular consequence: missense variant. On other transcripts: non-coding transcript variant (2).
Genome position (GRCh38, 1-based): chr15:51,545,745, C>G on the plus strand (G>C on the coding strand, the complement: DMXL2 is on the minus strand). VCF-style: chr15-51545745-C-G. GRCh37 (hg19) VCF-style: chr15-51837942-C-G.
Other names: c.768G>C, p.Leu256Phe (NM_001174116.3, NM_001174117.3, NM_001378458.1 and 7 more transcripts); short protein forms L256F.
Identifiers: ClinVar variation 1380804 (VCV001380804.8), dbSNP rs2140934597, ClinGen allele CA392469167.

ClinVar aggregate classification (germline): Uncertain significance (1 of 4 stars; one submission).

Submission:

Labcorp Genetics (formerly Invitae), Labcorp
Classification: Uncertain significance. Last evaluated: 2022-07-19. Review status: criteria provided, single submitter. Criteria: Invitae Variant Classification Sherloc (09022015). Collection method: clinical testing. Allele origin: germline.
Comment: This sequence change replaces leucine, which is neutral and non-polar, with phenylalanine, which is neutral and non-polar, at codon 256 of the DMXL2 protein (p.Leu256Phe). This variant is not present in population databases (gnomAD no frequency). This variant has not been reported in the literature in individuals affected with DMXL2-related conditions. ClinVar contains an entry for this variant (Variation ID: 1380804). Algorithms developed to predict the effect of missense changes on protein structure and function are either unavailable or do not agree on the potential impact of this missense change (SIFT: "Deleterious"; PolyPhen-2: "Probably Damaging"; Align-GVGD: "Class C15"). In summary, the available evidence is currently insufficient to determine the role of this variant in disease. Therefore, it has been classified as a Variant of Uncertain Significance.